The following is an entry in ClinVar:

NM_030958.3(SLCO5A1):c.2380T>C (p.Ser794Pro)

Gene: SLCO5A1 (solute carrier organic anion transporter family member 5A1; minus strand). Cytogenetic location: 8q13.3.
Variant type: single nucleotide variant.
Coding change: c.2380T>C on transcript NM_030958.3 (MANE Select); coding-DNA position 2380, T replaced by C.
Protein change: p.Ser794Pro; replaces serine 794 with proline.
Molecular consequence: missense variant. On other transcripts: 3 prime UTR variant (1).
Genome position (GRCh38, 1-based): chr8:69,673,036, A>G on the plus strand (T>C on the coding strand, the complement: SLCO5A1 is on the minus strand). VCF-style: chr8-69673036-A-G. GRCh37 (hg19) VCF-style: chr8-70585271-A-G.
Other names: c.*251T>C (NM_001146008.2); c.2215T>C, p.Ser739Pro (NM_001146009.1); short protein forms S739P, S794P.
Identifiers: ClinVar variation 4782108 (VCV004782108.1).

ClinVar aggregate classification (germline): Uncertain significance (1 of 4 stars; one submission).

gnomAD v4.1: 23 of 1,614,140 alleles (0.0014%); highest among the groups gnomAD compares: Non-Finnish European, 0.0019%; no homozygotes.

Submission:

Labcorp Genetics (formerly Invitae), Labcorp
Classification: Uncertain significance. Last evaluated: 2025-02-19. Review status: criteria provided, single submitter. Criteria: Invitae Variant Classification Sherloc (09022015). Collection method: clinical testing. Allele origin: germline.
Comment: This sequence change replaces serine, which is neutral and polar, with proline, which is neutral and non-polar, at codon 794 of the SLCO5A1 protein (p.Ser794Pro). This variant is present in population databases (rs762451080, gnomAD 0.0009%). This variant has not been reported in the literature in individuals affected with SLCO5A1-related conditions. An algorithm developed to predict the effect of missense changes on protein structure and function (PolyPhen-2) suggests that this variant is likely to be disruptive. In summary, the available evidence is currently insufficient to determine the role of this variant in disease. Therefore, it has been classified as a Variant of Uncertain Significance.